The following is an entry in ClinVar:

ClinVar aggregate classification (germline): Uncertain significance (1 of 4 stars; one submission).

Conditions:
Hereditary sensory and autonomic neuropathy type 6. Also called: Neuropathy, hereditary sensory and autonomic, type VI; HSAN VI. Identifiers: Orphanet 314381, MedGen C3539003, MONDO:0013839, OMIM 614653.
Epidermolysis bullosa simplex 3, localized or generalized intermediate, with BP230 deficiency (EBS3). Also called: Epidermolysis bullosa simplex due to BP230 deficiency; Epidermolysis bullosa simplex, autosomal recessive 2. Identifiers: Orphanet 412181, MedGen C3809470, MONDO:0014180, OMIM 615425.

Allele frequency attached by ClinVar (database versions not stated): gnomAD exomes below 0.00001; ExAC 0.00001; gnomAD 0.00002; TOPMed 0.00002.
gnomAD v4.1: 5 of 1,613,426 alleles (0.00031%); highest among the groups gnomAD compares: African/African-American, 0.0013%; no homozygotes.

Submission:

Labcorp Genetics (formerly Invitae), Labcorp
Classification: Uncertain significance for Epidermolysis bullosa simplex 3, localized or generalized intermediate, with BP230 deficiency; Hereditary sensory and autonomic neuropathy type 6. Last evaluated: 2022-01-26. Review status: criteria provided, single submitter. Criteria: Invitae Variant Classification Sherloc (09022015). Collection method: clinical testing. Allele origin: germline.
Comment: The DST gene has multiple clinically relevant transcripts. This variant occurs in alternate transcript NM_015548.4, and corresponds to NM_001723.5:c.*62035A>G in the primary transcript. This sequence change replaces serine, which is neutral and polar, with glycine, which is neutral and non-polar, at codon 2481 of the DST protein (p.Ser2481Gly). This variant is present in population databases (rs769674914, gnomAD 0.01%). This variant has not been reported in the literature in individuals affected with DST-related conditions. Experimental studies and prediction algorithms are not available or were not evaluated, and the functional significance of this variant is currently unknown. In summary, the available evidence is currently insufficient to determine the role of this variant in disease. Therefore, it has been classified as a Variant of Uncertain Significance.

NM_001374736.1(DST):c.15310A>G (p.Ser5104Gly)

Gene: DST (dystonin; minus strand). Cytogenetic location: 6p12.1.
Variant type: single nucleotide variant.
Coding change: c.15310A>G on transcript NM_001374736.1 (MANE Select); coding-DNA position 15310, A replaced by G.
Protein change: p.Ser5104Gly; replaces serine 5104 with glycine.
Molecular consequence: missense variant.
Genome position (GRCh38, 1-based): chr6:56,553,482, T>C on the plus strand (A>G on the coding strand, the complement: DST is on the minus strand). VCF-style: chr6-56553482-T-C. GRCh37 (hg19) VCF-style: chr6-56418280-T-C.
Other names: c.8953A>G, p.Ser2985Gly (NM_001144769.5); c.8539A>G, p.Ser2847Gly (NM_001144770.2); c.15310A>G, p.Ser5104Gly (NM_001374722.1); c.14677A>G, p.Ser4893Gly (NM_001374729.1); c.8419A>G, p.Ser2807Gly (NM_001374730.1, NM_001386100.1, NM_183380.4); c.15337A>G, p.Ser5113Gly (NM_001374734.1); c.7441A>G, p.Ser2481Gly (NM_015548.5); short protein forms S2985G, S2807G, S5104G, S2481G, S2847G, S4893G, S5113G.
Identifiers: ClinVar variation 1398333 (VCV001398333.5), dbSNP rs769674914, ClinGen allele CA3867836.